The following is an entry in ClinVar:

ClinVar aggregate classification (germline): Uncertain significance (1 of 4 stars; one submission).

Conditions:
Charcot-Marie-Tooth disease type 4. Also called: Charcot-Marie-Tooth disease, type IV; Charcot-Marie-Tooth, Type 4. Identifiers: Orphanet 64749, MedGen C4082197, MONDO:0018995.

Allele frequency attached by ClinVar (database versions not stated): gnomAD 0.00001.

Submission:

Labcorp Genetics (formerly Invitae), Labcorp
Classification: Uncertain significance for Charcot-Marie-Tooth disease type 4. Last evaluated: 2023-03-03. Review status: criteria provided, single submitter. Criteria: Invitae Variant Classification Sherloc (09022015). Collection method: clinical testing. Allele origin: germline.
Comment: This sequence change falls in intron 17 of the FIG4 gene. It does not directly change the encoded amino acid sequence of the FIG4 protein. It affects a nucleotide within the consensus splice site. In summary, the available evidence is currently insufficient to determine the role of this variant in disease. Therefore, it has been classified as a Variant of Uncertain Significance. Variants that disrupt the consensus splice site are a relatively common cause of aberrant splicing (PMID: 17576681, 9536098). Algorithms developed to predict the effect of sequence changes on RNA splicing suggest that this variant may disrupt the consensus splice site. This variant has not been reported in the literature in individuals affected with FIG4-related conditions. This variant is not present in population databases (gnomAD no frequency).

Literature cited by the submitters: PubMed 17576681; PubMed 9536098.

NM_014845.6(FIG4):c.1949-6_1949-3del

Gene: FIG4 (FIG4 phosphoinositide 5-phosphatase; plus strand). Cytogenetic location: 6q21.
Variant type: Deletion.
Coding change: c.1949-6_1949-3del on transcript NM_014845.6 (MANE Select); 6 bases into the intron before coding-DNA position 1949 through 3 bases into the intron before coding-DNA position 1949, 4 bases deleted (TCTT; older notation c.1949-6_1949-3delTCTT).
Molecular consequence: intron variant.
Genome position (GRCh38, 1-based): chr6:109,786,296-109,786,299, TCTT deleted. VCF-style (leftmost placement, unchanged base first): chr6-109786295-CTCTT-C. GRCh37 (hg19) VCF-style: chr6-110107498-CTCTT-C.
Identifiers: ClinVar variation 2836733 (VCV002836733.3), dbSNP rs1777953871, ClinGen allele CA1093071509.